The following is an entry in ClinVar:

ClinVar aggregate classification (germline): Likely benign. Review status: criteria provided, multiple submitters, no conflicts (2 of 4 stars). 3 submissions from 3 submitters: Likely benign (3). Last evaluated 2024-08-31.

Conditions:
Noonan syndrome 8 (NS8). Identifiers: Orphanet 648, MedGen C3809233, MONDO:0014143, OMIM 615355.

gnomAD v4.1: 2 of 1,614,108 alleles (0.00012%); highest among the groups gnomAD compares: African/African-American, 0.0013%; no homozygotes.

Submissions (3):

Labcorp Genetics (formerly Invitae), Labcorp
Classification: Likely benign for Noonan syndrome 8. Last evaluated: 2024-08-31. Review status: criteria provided, single submitter. Criteria: Invitae Variant Classification Sherloc (09022015). Collection method: clinical testing. Allele origin: germline.

Blueprint Genetics
Classification: Likely benign. Last evaluated: 2024-08-14. Review status: criteria provided, single submitter. Criteria: ACMG Guidelines, 2015. Collection method: clinical testing. Allele origin: germline.

CeGaT Center for Human Genetics Tuebingen
Classification: Likely benign. Last evaluated: 2024-08-01. Review status: criteria provided, single submitter. Criteria: CeGaT Center For Human Genetics Tuebingen Variant Classification Criteria Version 2. Collection method: clinical testing. Allele origin: germline. Affected: yes. Observed: 2 variant alleles.
Comment: RIT1: BP4, BP7

NM_006912.6(RIT1):c.45C>T (p.Pro15=)

Gene: RIT1 (Ras like without CAAX 1; minus strand). Cytogenetic location: 1q22.
Variant type: single nucleotide variant.
Coding change: c.45C>T on transcript NM_006912.6 (MANE Select); coding-DNA position 45, C replaced by T.
Protein change: p.Pro15=; no amino-acid change (proline 15 retained).
Molecular consequence: synonymous variant. On other transcripts: intron variant (1).
Genome position (GRCh38, 1-based): chr1:155,910,717, G>A on the plus strand (C>T on the coding strand, the complement: RIT1 is on the minus strand). VCF-style: chr1-155910717-G-A. GRCh37 (hg19) VCF-style: chr1-155880508-G-A.
Other names: c.96C>T, p.Pro32= (NM_001256821.2); c.-2-211C>T (NM_001256820.2).
Identifiers: ClinVar variation 2855430 (VCV002855430.20), dbSNP rs748838734, ClinGen allele CA421054662.